The following is an entry in ClinVar:

ClinVar aggregate classification (germline): Likely pathogenic. Review status: criteria provided, multiple submitters, no conflicts (2 of 4 stars). 2 submissions from 2 submitters: Likely pathogenic (2). Last evaluated 2025-09-16.

Conditions:
Multiple sulfatase deficiency (MSD). Also called: Sulfatidosis, Juvenile, Austin Type; Mucosulfatidosis; Multiple Sulfatase Deficiency Disease. Identifiers: Orphanet 585, MedGen C0268263, MONDO:0010088, OMIM 272200.

Submissions (2):

Natera, Inc.
Classification: Likely pathogenic for Multiple sulfatase deficiency. Last evaluated: 2025-09-16. Review status: criteria provided, single submitter. Criteria: Natera Variant Classification Schema (03/2026). Collection method: clinical testing. Allele origin: germline.
Comment: The c.520-1G>C variant in SUMF1 is a canonical splice acceptor site variant predicted to affect pre-mRNA splicing, which may result in an abnormal transcript and altered protein product. This variant is expected to result in nonsense mediated decay, truncation, or a dysfunctional protein product. This variant is rare in the general population with a frequency below the threshold expected for the associated phenotype(s). Given the available evidence, this variant is classified as Likely Pathogenic.

Fulgent Genetics
Classification: Likely pathogenic for Multiple sulfatase deficiency. Last evaluated: 2024-01-06. Review status: criteria provided, single submitter. Criteria: ACMG Guidelines, 2015. Collection method: clinical testing. Allele origin: germline.

NM_182760.4(SUMF1):c.520-1G>C

Gene: SUMF1 (sulfatase modifying factor 1; minus strand). Cytogenetic location: 3p26.1.
Variant type: single nucleotide variant.
Coding change: c.520-1G>C on transcript NM_182760.4 (MANE Select); the canonical splice acceptor site of the intron before coding-DNA position 520, G replaced by C.
Molecular consequence: splice acceptor variant.
Genome position (GRCh38, 1-based): chr3:4,420,147, C>G on the plus strand (G>C on the coding strand, the complement: SUMF1 is on the minus strand). VCF-style: chr3-4420147-C-G. GRCh37 (hg19) VCF-style: chr3-4461831-C-G.
Other names: c.445-1G>C (NM_001164674.2); c.520-1G>C (NM_001164675.2, NM_182760.3).
Identifiers: ClinVar variation 3589171 (VCV003589171.2).
Genomic context (GRCh38, chr3:4,420,147, plus strand): 5'-CCCTTCTGGGTGTCTCCAGTTAGCGCCTTTCACAGGTAACCACCAGGGAGCAGCTGCAAC[C>G]TCAAAGCAACCCAGAACAGGCTGATGTTAGCTACTAACATCAACTCTAGAAAAATATCAA-3'